The following is an entry in ClinVar:

ClinVar aggregate classification (germline): Uncertain significance. Review status: criteria provided, multiple submitters, no conflicts (2 of 4 stars). 3 submissions from 3 submitters: Uncertain significance (3). Last evaluated 2026-03-17.

Conditions:
Inborn genetic diseases. Identifiers: MedGen C0950123, MeSH D030342.
Meier-Gorlin syndrome 1 (MGORS1). Also called: EAR, PATELLA, SHORT STATURE SYNDROME. Identifiers: Orphanet 2554, MedGen C4552001, MONDO:0009143, OMIM 224690.

Allele frequency attached by ClinVar (database versions not stated): gnomAD exomes below 0.00001; TOPMed below 0.00001; ExAC 0.00001.

Submissions (3):

Institute of Medical Genetics and Applied Genomics, University Hospital Tübingen
Classification: Uncertain significance for Meier-Gorlin syndrome 1. Last evaluated: 2026-03-17. Review status: criteria provided, single submitter. Criteria: ACMG Guidelines, 2015. Collection method: clinical testing. Allele origin: germline. Inheritance: Autosomal recessive inheritance. Affected: yes.

Ambry Genetics
Classification: Uncertain significance for Inborn genetic diseases. Last evaluated: 2025-03-22. Review status: criteria provided, single submitter. Criteria: Ambry Variant Classification Scheme 2023. Collection method: clinical testing. Allele origin: germline.

Labcorp Genetics (formerly Invitae), Labcorp
Classification: Uncertain significance. Last evaluated: 2024-03-04. Review status: criteria provided, single submitter. Criteria: Invitae Variant Classification Sherloc (09022015). Collection method: clinical testing. Allele origin: germline.
Comment: This sequence change replaces alanine, which is neutral and non-polar, with threonine, which is neutral and polar, at codon 597 of the ORC1 protein (p.Ala597Thr). This variant is present in population databases (rs746849282, gnomAD 0.0009%). This variant has not been reported in the literature in individuals affected with ORC1-related conditions. ClinVar contains an entry for this variant (Variation ID: 1383270). Advanced modeling of protein sequence and biophysical properties (such as structural, functional, and spatial information, amino acid conservation, physicochemical variation, residue mobility, and thermodynamic stability) performed at Invitae indicates that this missense variant is expected to disrupt ORC1 protein function with a positive predictive value of 80%. In summary, the available evidence is currently insufficient to determine the role of this variant in disease. Therefore, it has been classified as a Variant of Uncertain Significance.

NM_004153.4(ORC1):c.1789G>A (p.Ala597Thr)

Gene: ORC1 (origin recognition complex subunit 1; minus strand). Cytogenetic location: 1p32.3.
Variant type: single nucleotide variant.
Coding change: c.1789G>A on transcript NM_004153.4 (MANE Select); coding-DNA position 1789, G replaced by A.
Protein change: p.Ala597Thr; replaces alanine 597 with threonine.
Molecular consequence: missense variant.
Genome position (GRCh38, 1-based): chr1:52,383,904, C>T on the plus strand (G>A on the coding strand, the complement: ORC1 is on the minus strand). VCF-style: chr1-52383904-C-T. GRCh37 (hg19) VCF-style: chr1-52849576-C-T.
Other names: c.1789G>A, p.Ala597Thr (NM_001190818.2); c.1774G>A, p.Ala592Thr (NM_001190819.2); c.1789G>A (NM_004153.3); short protein forms A597T, A592T.
Identifiers: ClinVar variation 1383270 (VCV001383270.9), dbSNP rs746849282, ClinGen allele CA853208.